The following is an entry in ClinVar:

NM_001943.5(DSG2):c.485del (p.Asp162fs)

Gene: DSG2 (desmoglein 2; plus strand). Cytogenetic location: 18q12.1.
Variant type: Deletion.
Coding change: c.485del on transcript NM_001943.5 (MANE Select); coding-DNA position 485, one base deleted (A; older notation c.485delA).
Protein change: p.Asp162fs; shifts the reading frame from aspartic acid 162.
Molecular consequence: frameshift variant.
Genome position (GRCh38, 1-based): chr18:31,521,205, A deleted. VCF-style (leftmost placement, unchanged base first): chr18-31521204-GA-G. GRCh37 (hg19) VCF-style: chr18-29101167-GA-G.
Other names: short protein forms D162fs.
Identifiers: ClinVar variation 3842625 (VCV003842625.1).

ClinVar aggregate classification (germline): Pathogenic (1 of 4 stars; one submission).

Conditions:
Cardiovascular phenotype. Identifiers: MedGen CN230736.

Submission:

Ambry Genetics
Classification: Pathogenic for Cardiovascular phenotype. Last evaluated: 2025-02-21. Review status: criteria provided, single submitter. Criteria: Ambry Variant Classification Scheme 2023. Collection method: clinical testing. Allele origin: germline.
Comment: The c.485delA pathogenic mutation, located in coding exon 5 of the DSG2 gene, results from a deletion of one nucleotide at nucleotide position 485, causing a translational frameshift with a predicted alternate stop codon (p.D162Vfs*10). This variant is considered to be rare based on population cohorts in the Genome Aggregation Database (gnomAD). This alteration is expected to result in loss of function by premature protein truncation or nonsense-mediated mRNA decay. As such, this alteration is interpreted as a disease-causing mutation.